The following is an entry in ClinVar:

NM_001371623.1(TCOF1):c.640-2del

Gene: TCOF1 (treacle ribosome biogenesis factor 1; plus strand). Cytogenetic location: 5q32.
Variant type: Deletion.
Coding change: c.640-2del on transcript NM_001371623.1 (MANE Select); the canonical splice acceptor site of the intron before coding-DNA position 640, one base deleted (A; older notation c.640-2delA).
Molecular consequence: splice acceptor variant. On other transcripts: intron variant (3).
Genome position (GRCh38, 1-based): chr5:150,372,004, A deleted. VCF-style (leftmost placement, unchanged base first): chr5-150372003-CA-C. GRCh37 (hg19) VCF-style: chr5-149751566-CA-C.
Other names: c.640-2del (NM_001135243.2, NM_001135244.2, NM_001195141.2 and 1 more transcripts); c.640-2170del (NM_001437406.1, NM_001135245.2, NM_000356.4).
Identifiers: ClinVar variation 4293403 (VCV004293403.1).

ClinVar aggregate classification (germline): Likely pathogenic (1 of 4 stars; one submission).

Conditions:
Treacher Collins syndrome 1 (TCS1). Also called: TCOF1-Related Treacher Collins Syndrome. Identifiers: Orphanet 861, MedGen CN315775, MONDO:0007944, OMIM 154500.

Submission:

3billion
Classification: Likely pathogenic for Treacher Collins syndrome 1. Last evaluated: 2024-11-07. Review status: criteria provided, single submitter. Criteria: ACMG Guidelines, 2015. Collection method: clinical testing. Allele origin: germline. Affected: yes.
Comment: The variant is not observed in the gnomAD v4.1.0 dataset. Predicted Consequence/Location: Canonical splice site: predicted to alter splicing and result in a loss or disruption of normal protein function. Multiple pathogenic loss-of-function variants are reported downstream of the variant. In silico tools predict the variant to alter splicing and produce an abnormal transcript [SpliceAI: 0.99 (spliceogenicity >=0.2, non-spliceogenicity <0.1)]. Therefore, this variant is classified as Likely pathogenic according to the recommendation of ACMG/AMP guideline.